The following is an entry in ClinVar:

NM_032638.5(GATA2):c.*715G>A

Gene: GATA2 (GATA binding protein 2; minus strand). Cytogenetic location: 3q21.3.
Variant type: single nucleotide variant.
Coding change: c.*715G>A on transcript NM_032638.5 (MANE Select); 715 bases downstream of the stop codon, G replaced by A.
Molecular consequence: 3 prime UTR variant.
Genome position (GRCh38, 1-based): chr3:128,480,304, C>T on the plus strand (G>A on the coding strand, the complement: GATA2 is on the minus strand). VCF-style: chr3-128480304-C-T. GRCh37 (hg19) VCF-style: chr3-128199147-C-T.
Other names: c.*715G>A (NM_001145661.2, NM_001145662.1).
Identifiers: ClinVar variation 343117 (VCV000343117.5), dbSNP rs73203415, ClinGen allele CA10614754.

ClinVar aggregate classification (germline): Benign (1 of 4 stars; one submission).

Conditions:
Deafness-lymphedema-leukemia syndrome. Also called: Lymphedema, primary, with myelodysplasia; Emberger syndrome. Identifiers: Orphanet 3226, MedGen C3279664, MONDO:0013540, OMIM 614038.

Allele frequency attached by ClinVar (database versions not stated): gnomAD 0.01920 and 0.01852; TOPMed 0.01954; 1000 Genomes Project 30x 0.00921; 1000 Genomes Project 0.00938; gnomAD exomes 0.02481.

Submission:

Illumina Laboratory Services, Illumina
Classification: Benign for Deafness-lymphedema-leukemia syndrome. Last evaluated: 2018-01-13. Review status: criteria provided, single submitter. Criteria: ICSL Variant Classification Criteria 13 December 2019. Collection method: clinical testing. Allele origin: germline.
Comment: This variant was observed in the ICSL laboratory as part of a predisposition screen in an ostensibly healthy population. It had not been previously curated by ICSL or reported in the Human Gene Mutation Database (HGMD: prior to June 1st, 2018), and was therefore a candidate for classification through an automated scoring system. Utilizing variant allele frequency, disease prevalence and penetrance estimates, and inheritance mode, an automated score was calculated to assess if this variant is too frequent to cause the disease. Based on the score and internal cut-off values, a variant classified as benign is not then subjected to further curation. The score for this variant resulted in a classification of benign for this disease.